The following is an entry in ClinVar:

ClinVar aggregate classification (germline): Uncertain significance (1 of 4 stars; one submission).

Conditions:
Hypertrophic cardiomyopathy 14. Identifiers: MedGen C2750467, MONDO:0013197, OMIM 613251.

gnomAD v4.1: 5 of 1,614,164 alleles (0.00031%); highest among the groups gnomAD compares: Non-Finnish European, 0.00042%; no homozygotes.

Submission:

Labcorp Genetics (formerly Invitae), Labcorp
Classification: Uncertain significance for Hypertrophic cardiomyopathy 14. Last evaluated: 2025-11-27. Review status: criteria provided, single submitter. Criteria: Invitae Variant Classification Sherloc (09022015). Collection method: clinical testing. Allele origin: germline.
Comment: This sequence change falls in intron 28 of the MYH6 gene. It does not directly change the encoded amino acid sequence of the MYH6 protein. It affects a nucleotide within the consensus splice site. This variant is not present in population databases (gnomAD no frequency). This variant has not been reported in the literature in individuals affected with MYH6-related conditions. Variants that disrupt the consensus splice site are a relatively common cause of aberrant splicing (PMID: 17576681, 9536098). Algorithms developed to predict the effect of sequence changes on RNA splicing suggest that this variant is not likely to affect RNA splicing. In summary, the available evidence is currently insufficient to determine the role of this variant in disease. Therefore, it has been classified as a Variant of Uncertain Significance.

Literature cited by the submitters: PubMed 17576681; PubMed 9536098.

NM_002471.4(MYH6):c.3978+3G>A

Gene: MYH6 (myosin heavy chain 6; minus strand). Cytogenetic location: 14q11.2.
Variant type: single nucleotide variant.
Coding change: c.3978+3G>A on transcript NM_002471.4 (MANE Select); 3 bases into the intron after coding-DNA position 3978, G replaced by A.
Molecular consequence: intron variant.
Genome position (GRCh38, 1-based): chr14:23,389,390, C>T on the plus strand (G>A on the coding strand, the complement: MYH6 is on the minus strand). VCF-style: chr14-23389390-C-T. GRCh37 (hg19) VCF-style: chr14-23858599-C-T.
Identifiers: ClinVar variation 4701732 (VCV004701732.1).